The following is an entry in ClinVar:

NM_006440.5(TXNRD2):c.1349T>C (p.Met450Thr)

Gene: TXNRD2 (thioredoxin reductase 2; minus strand). Cytogenetic location: 22q11.21.
Variant type: single nucleotide variant.
Coding change: c.1349T>C on transcript NM_006440.5 (MANE Select); coding-DNA position 1349, T replaced by C.
Protein change: p.Met450Thr; replaces methionine 450 with threonine.
Molecular consequence: missense variant. On other transcripts: non-coding transcript variant (1).
Genome position (GRCh38, 1-based): chr22:19,878,186, A>G on the plus strand (T>C on the coding strand, the complement: TXNRD2 is on the minus strand). VCF-style: chr22-19878186-A-G. GRCh37 (hg19) VCF-style: chr22-19865709-A-G.
Other names: c.1346T>C, p.Met449Thr (NM_001352300.2); c.1259T>C, p.Met420Thr (NM_001352301.2); c.1061T>C, p.Met354Thr (NM_001352302.2); short protein forms M420T, M449T, M354T, M450T.
Identifiers: ClinVar variation 3812624 (VCV003812624.1).

ClinVar aggregate classification (germline): Uncertain significance (1 of 4 stars; one submission).

Conditions:
Cardiovascular phenotype. Identifiers: MedGen CN230736.

Submission:

Ambry Genetics
Classification: Uncertain significance for Cardiovascular phenotype. Last evaluated: 2024-12-13. Review status: criteria provided, single submitter. Criteria: Ambry Variant Classification Scheme 2023. Collection method: clinical testing. Allele origin: germline.
Comment: The p.M450T variant (also known as c.1349T>C), located in coding exon 16 of the TXNRD2 gene, results from a T to C substitution at nucleotide position 1349. The methionine at codon 450 is replaced by threonine, an amino acid with similar properties. This amino acid position is conserved. In addition, this alteration is predicted to be deleterious by in silico analysis. Based on the available evidence, the clinical significance of this variant remains unclear.